The following is an entry in ClinVar:

NM_175914.5(HNF4A):c.562G>A (p.Glu188Lys)

Gene: HNF4A (hepatocyte nuclear factor 4 alpha; plus strand). Cytogenetic location: 20q13.12.
Variant type: single nucleotide variant.
Coding change: c.562G>A on transcript NM_175914.5 (MANE Select); coding-DNA position 562, G replaced by A.
Protein change: p.Glu188Lys; replaces glutamic acid 188 with lysine.
Molecular consequence: missense variant.
Genome position (GRCh38, 1-based): chr20:44,414,642, G>A. VCF-style: chr20-44414642-G-A. GRCh37 (hg19) VCF-style: chr20-43043282-G-A.
Other names: c.628G>A, p.Glu210Lys (NM_000457.6, NM_178849.3, NM_178850.3); c.562G>A, p.Glu188Lys (NM_001030003.3, NM_001030004.3); c.607G>A, p.Glu203Lys (NM_001258355.2); c.553G>A, p.Glu185Lys (NM_001287182.2, NM_001287183.2, NM_001287184.2); short protein forms E210K, E185K, E188K, E203K.
Identifiers: ClinVar variation 899287 (VCV000899287.7), dbSNP rs771156648, ClinGen allele CA9870297.

ClinVar aggregate classification (germline): Uncertain significance/Uncertain risk allele. Review status: criteria provided, multiple submitters, no conflicts (2 of 4 stars). 5 submissions from 4 submitters: Uncertain significance (3); Uncertain risk allele (1). 1 of the submissions does not count toward it. Last evaluated 2021-11-30.

Conditions:
Maturity-onset diabetes of the young type 1. Also called: MODY type 1; Diabetes mellitus MODY type 1; MODY HNF4A related; HNF4A-Related Maturity-Onset Diabetes of the Young Type 1; MODY, type I; MILD JUVENILE DIABETES MELLITUS. Identifiers: Orphanet 552, MedGen C1852093, MONDO:0007452, OMIM 125850. Disease mechanism: loss of function.
Type 2 diabetes mellitus. Also called: Type II diabetes mellitus. Identifiers: MedGen C0011860, MeSH D003924, MONDO:0005148, OMIM 125853, HP:0005978.
Fanconi renotubular syndrome 4 with maturity-onset diabetes of the young (FRTS4). Also called: FRTS4 WITH MODY. Identifiers: Orphanet 93111, MedGen C4014962, MONDO:0014458, OMIM 616026.
Maturity-onset diabetes of the young (MODY). Also called: Maturity onset diabetes mellitus in young. Identifiers: Orphanet 552, MedGen C0342276, MONDO:0018911, HP:0004904.
HNF4A-related disorder. Also called: HNF4A-related condition.
Familial hyperinsulinism. Also called: Congenital hyperinsulinism. Identifiers: Orphanet 276525, MedGen C3888018, MONDO:0017182. Disease mechanism: loss of function.

Allele frequency attached by ClinVar (database versions not stated): ExAC 0.00001; gnomAD 0.00001; gnomAD exomes 0.00001.
gnomAD v4.1: 18 of 1,610,506 alleles (0.0011%); highest among the groups gnomAD compares: South Asian, 0.0077%; no homozygotes.

Submissions (5):

Fulgent Genetics
Classification: Uncertain significance for Maturity-onset diabetes of the young type 1; Type 2 diabetes mellitus; Fanconi renotubular syndrome 4 with maturity-onset diabetes of the young. Last evaluated: 2021-11-30. Review status: criteria provided, single submitter. Criteria: ACMG Guidelines, 2015. Collection method: clinical testing. Allele origin: unknown.

Illumina Laboratory Services, Illumina
Classification: Uncertain significance for Maturity-onset diabetes of the young type 1. Last evaluated: 2018-01-12. Review status: criteria provided, single submitter. Criteria: ICSL Variant Classification Criteria 13 December 2019. Collection method: clinical testing. Allele origin: germline.

Illumina Laboratory Services, Illumina
Classification: Uncertain significance for Familial hyperinsulinism. Last evaluated: 2018-01-12. Review status: criteria provided, single submitter. Criteria: ICSL Variant Classification Criteria 13 December 2019. Collection method: clinical testing. Allele origin: germline.

Clinical Genomics, Uppaluri K&H Personalized Medicine Clinic
Classification: Uncertain risk allele for Maturity-onset diabetes of the young. Review status: criteria provided, single submitter. Criteria: K & H Uppaluri Personalized Medicine Clinic Variant Classification & Assertion Criteria_Updated V.1. Collection method: research. Allele origin: unknown. Inheritance: Autosomal dominant inheritance.
Comment: Potent mutations in HNF4A are associated with poor insulin secretion in response to hyperglycemia. Associated with MODY1. Patients initially respond well to sulfonylureas but eventually become insulin dependent. However, more evidence is required to ascertain the role of this particular variant rs771156648 in MODY, yet.

PreventionGenetics, part of Exact Sciences
Classification: Uncertain significance for HNF4A-related condition. Last evaluated: 2024-07-19. Review status: no assertion criteria provided. Collection method: clinical testing. Allele origin: germline. Not counted in ClinVar's aggregate classification.
Comment: The HNF4A c.562G>A variant is predicted to result in the amino acid substitution p.Glu188Lys. To our knowledge, this variant has not been reported in the literature. This variant is reported in 0.0067% of alleles in individuals of South Asian descent in gnomAD. At this time, the clinical significance of this variant is uncertain due to the absence of conclusive functional and genetic evidence.

Literature cited by the submitters: PubMed 18268044 (cited by Clinical Genomics, Uppaluri K&H Personalized Medicine Clinic); PubMed 17563455 (cited by Clinical Genomics, Uppaluri K&H Personalized Medicine Clinic); PubMed 32583173 (cited by Clinical Genomics, Uppaluri K&H Personalized Medicine Clinic); PubMed 35052457 (cited by Clinical Genomics, Uppaluri K&H Personalized Medicine Clinic); PubMed 35118593 (cited by Clinical Genomics, Uppaluri K&H Personalized Medicine Clinic); DOI 10.1159/000334532 (cited by Clinical Genomics, Uppaluri K&H Personalized Medicine Clinic).